The following is an entry in ClinVar:

ClinVar aggregate classification (germline): Benign (1 of 4 stars; one submission).

Allele frequency attached by ClinVar (database versions not stated): TOPMed 0.12904; 1000 Genomes Project 30x 0.15459; gnomAD 0.12451; 1000 Genomes Project 0.15974.
gnomAD v4.1: 20,056 of 152,260 alleles (13%); highest among the groups gnomAD compares: South Asian, 27%; 1,615 homozygotes.

Submission:

GeneDx
Classification: Benign. Last evaluated: 2018-06-20. Review status: criteria provided, single submitter. Criteria: GeneDx Variant Classification (06012015). Collection method: clinical testing. Allele origin: germline. Affected: yes.
Comment: This variant is considered likely benign or benign based on one or more of the following criteria: it is a conservative change, it occurs at a poorly conserved position in the protein, it is predicted to be benign by multiple in silico algorithms, and/or has population frequency not consistent with disease.

NM_024577.4(SH3TC2):c.52+237G>A

Gene: SH3TC2 (SH3 domain and tetratricopeptide repeats 2; minus strand). Cytogenetic location: 5q32.
Variant type: single nucleotide variant.
Coding change: c.52+237G>A on transcript NM_024577.4 (MANE Select); 237 bases into the intron after coding-DNA position 52, G replaced by A.
Molecular consequence: intron variant.
Genome position (GRCh38, 1-based): chr5:149,062,734, C>T on the plus strand (G>A on the coding strand, the complement: SH3TC2 is on the minus strand). VCF-style: chr5-149062734-C-T. GRCh37 (hg19) VCF-style: chr5-148442297-C-T.
Identifiers: ClinVar variation 670068 (VCV000670068.1), dbSNP rs62380066, ClinGen allele CA15361219.